The following is an entry in ClinVar:

ClinVar aggregate classification (germline): Benign/Likely benign. Review status: criteria provided, multiple submitters, no conflicts (2 of 4 stars). 10 submissions from 10 submitters: Benign (5); Likely benign (2). 3 of the submissions do not count toward it. Last evaluated 2026-08-01.

Conditions:
MAGEL2-related disorder. Also called: MAGEL2-related condition.

Allele frequency attached by ClinVar (database versions not stated): ExAC 0.00202; gnomAD exomes 0.00230 and 0.00484; TOPMed 0.00250; gnomAD 0.00273 and 0.00284; ESP Exome Variant Server 0.00351.
gnomAD v4.1: 7,421 of 1,613,778 alleles (0.46%); highest among the groups gnomAD compares: Non-Finnish European, 0.59%; 31 homozygotes.

Submissions (10):

CeGaT Center for Human Genetics Tuebingen
Classification: Benign. Last evaluated: 2026-08-01. Review status: criteria provided, single submitter. Criteria: CeGaT Center For Human Genetics Tuebingen Variant Classification Criteria Version 2. Collection method: clinical testing. Allele origin: germline. Affected: yes. Observed: 24 variant alleles.
Comment: MAGEL2: BP4, BP7, BS1, BS2

Labcorp Genetics (formerly Invitae), Labcorp
Classification: Benign. Last evaluated: 2026-02-03. Review status: criteria provided, single submitter. Criteria: Invitae Variant Classification Sherloc (09022015). Collection method: clinical testing. Allele origin: germline.

Blueprint Genetics
Classification: Likely benign. Last evaluated: 2024-11-07. Review status: criteria provided, single submitter. Criteria: ACMG Guidelines, 2015. Collection method: clinical testing. Allele origin: germline.

GeneDx
Classification: Benign. Last evaluated: 2020-02-10. Review status: criteria provided, single submitter. Criteria: GeneDx Variant Classification Process June 2021. Collection method: clinical testing. Allele origin: germline. Affected: yes.

Genetic Services Laboratory, University of Chicago
Classification: Benign. Last evaluated: 2019-11-19. Review status: criteria provided, single submitter. Criteria: ACMG Guidelines, 2015. Collection method: clinical testing. Allele origin: germline. Affected: no.

Eurofins Ntd Llc (ga)
Classification: Benign. Last evaluated: 2015-02-23. Review status: criteria provided, single submitter. Criteria: EGL Classification Definitions 2015. Collection method: clinical testing. Allele origin: germline. Observed: 1 variant allele, 1 heterozygote.

Breakthrough Genomics
Classification: Likely benign. Review status: criteria provided, single submitter. Criteria: ACMG Guidelines, 2015. Collection method: not provided. Allele origin: germline. Inheritance: Autosomal dominant inheritance. Affected: yes.

PreventionGenetics, part of Exact Sciences
Classification: Likely benign for MAGEL2-related condition. Last evaluated: 2024-01-04. Review status: no assertion criteria provided. Collection method: clinical testing. Allele origin: germline. Not counted in ClinVar's aggregate classification.
Comment: This variant is classified as likely benign based on ACMG/AMP sequence variant interpretation guidelines (Richards et al. 2015 PMID: 25741868, with internal and published modifications).

Clinical Genetics DNA and cytogenetics Diagnostics Lab, Erasmus MC, Erasmus Medical Center
Classification: Likely benign. Review status: no assertion criteria provided. Collection method: clinical testing. Allele origin: germline. Affected: yes. Study: VKGL Data-share Consensus. Not counted in ClinVar's aggregate classification.

Clinical Genetics, Academic Medical Center
Classification: Likely benign. Review status: no assertion criteria provided. Collection method: clinical testing. Allele origin: germline. Affected: yes. Study: VKGL Data-share Consensus. Not counted in ClinVar's aggregate classification.

NM_019066.5(MAGEL2):c.2784C>T (p.Ile928=)

Gene: MAGEL2 (MAGE family member L2; minus strand). Cytogenetic location: 15q11.2.
Variant type: single nucleotide variant.
Coding change: c.2784C>T on transcript NM_019066.5 (MANE Select); coding-DNA position 2784, C replaced by T.
Protein change: p.Ile928=; no amino-acid change (isoleucine 928 retained).
Molecular consequence: synonymous variant.
Genome position (GRCh38, 1-based): chr15:23,644,959, G>A on the plus strand (C>T on the coding strand, the complement: MAGEL2 is on the minus strand). VCF-style: chr15-23644959-G-A. GRCh37 (hg19) VCF-style: chr15-23890106-G-A.
Identifiers: ClinVar variation 193409 (VCV000193409.58), dbSNP rs189752384, ClinGen allele CA200561.